The following is an entry in ClinVar:

NM_020759.3(STARD9):c.2928G>A (p.Gly976=)

Gene: STARD9 (StAR related lipid transfer domain containing 9; plus strand). Cytogenetic location: 15q15.2.
Variant type: single nucleotide variant.
Coding change: c.2928G>A on transcript NM_020759.3 (MANE Select); coding-DNA position 2928, G replaced by A.
Protein change: p.Gly976=; no amino-acid change (glycine 976 retained).
Molecular consequence: synonymous variant.
Genome position (GRCh38, 1-based): chr15:42,684,506, G>A. VCF-style: chr15-42684506-G-A. GRCh37 (hg19) VCF-style: chr15-42976704-G-A.
Identifiers: ClinVar variation 3048356 (VCV003048356.2), dbSNP rs149673205, ClinGen allele CA7514226.

ClinVar aggregate classification (germline): Likely benign (0 of 4 stars; one submission).

Conditions:
STARD9-related disorder. Also called: STARD9-related condition.

Allele frequency attached by ClinVar (database versions not stated): gnomAD exomes 0.00010; ExAC 0.00029; gnomAD 0.00098; TOPMed 0.00102; 1000 Genomes Project 30x 0.00219; 1000 Genomes Project 0.00220.
gnomAD v4.1: 303 of 1,537,190 alleles (0.02%); highest among the groups gnomAD compares: African/African-American, 0.36%; 1 homozygote.

Submission:

PreventionGenetics, part of Exact Sciences
Classification: Likely benign for STARD9-related condition. Last evaluated: 2019-02-28. Review status: no assertion criteria provided. Collection method: clinical testing. Allele origin: germline.
Comment: This variant is classified as likely benign based on ACMG/AMP sequence variant interpretation guidelines (Richards et al. 2015 PMID: 25741868, with internal and published modifications).